The following is an entry in ClinVar:

NM_000059.4(BRCA2):c.995_996insG (p.Ile332fs)

Gene: BRCA2 (BRCA2 DNA repair associated; plus strand). Cytogenetic location: 13q13.1.
Variant type: Insertion.
Coding change: c.995_996insG on transcript NM_000059.4 (MANE Select); coding-DNA positions 995 to 996, G inserted.
Protein change: p.Ile332fs; shifts the reading frame from isoleucine 332.
Molecular consequence: frameshift variant.
Genome position: GRCh38 VCF-style: chr13-32332473-T-TG. GRCh37 (hg19) VCF-style: chr13-32906610-T-TG.
Other names: 1223insG; short protein forms I332fs.
Identifiers: ClinVar variation 125931 (VCV000125931.3), dbSNP rs276174931, ClinGen allele CA026348.

ClinVar aggregate classification (germline): Pathogenic. Review status: reviewed by expert panel (3 of 4 stars). 3 submissions from 3 submitters: Pathogenic (1). 2 of the submissions do not count toward it. Last evaluated 2016-09-08.

Conditions:
Breast-ovarian cancer, familial, susceptibility to, 2 (BROVCA2). Also called: BRCA2 Hereditary Breast and Ovarian Cancer. Identifiers: Orphanet 145, MedGen C2675520, MONDO:0012933, OMIM 612555. Disease mechanism: loss of function.

Submissions (3):

Evidence-based Network for the Interpretation of Germline Mutant Alleles (ENIGMA)
Classification: Pathogenic for Breast-ovarian cancer, familial, susceptibility to, 2. Last evaluated: 2016-09-08. Review status: reviewed by expert panel. Criteria: ENIGMA BRCA1/2 Classification Criteria (2015). Collection method: curation. Allele origin: germline.
Comment: Variant allele predicted to encode a truncated non-functional protein.

Consortium of Investigators of Modifiers of BRCA1/2 (CIMBA), c/o University of Cambridge
Classification: Pathogenic for Breast-ovarian cancer, familial, susceptibility to, 2. Last evaluated: 2015-10-02. Review status: criteria provided, single submitter. Criteria: CIMBA Mutation Classification guidelines May 2016. Collection method: clinical testing. Allele origin: germline. Not counted in ClinVar's aggregate classification.

Breast Cancer Information Core (BIC) (BRCA2)
Classification: Pathogenic for Breast-ovarian cancer, familial 2. Last evaluated: 2007-04-03. Review status: no assertion criteria provided. Collection method: clinical testing. Allele origin: germline. Affected: yes. Observed: 1 variant allele. Not counted in ClinVar's aggregate classification.